The following is an entry in ClinVar:

ClinVar aggregate classification (germline): Uncertain significance (1 of 4 stars; one submission).

Submission:

GeneDx
Classification: Uncertain significance. Last evaluated: 2024-09-11. Review status: criteria provided, single submitter. Criteria: GeneDx Variant Classification Process June 2021. Collection method: clinical testing. Allele origin: germline. Affected: yes.
Comment: Has not been previously published as pathogenic or benign to our knowledge; Not observed at significant frequency in large population cohorts (gnomAD); In silico analysis indicates that this missense variant does not alter protein structure/function

NM_000052.7(ATP7A):c.2924A>C (p.Asn975Thr)

Gene: ATP7A (ATPase copper transporting alpha; plus strand). Cytogenetic location: Xq21.1.
Variant type: single nucleotide variant.
Coding change: c.2924A>C on transcript NM_000052.7 (MANE Select); coding-DNA position 2924, A replaced by C.
Protein change: p.Asn975Thr; replaces asparagine 975 with threonine.
Molecular consequence: missense variant.
Genome position (GRCh38, 1-based): chrX:78,029,257, A>C. VCF-style: chrX-78029257-A-C. GRCh37 (hg19) VCF-style: chrX-77284754-A-C.
Other names: c.2690A>C, p.Asn897Thr (NM_001282224.2); short protein forms N897T, N975T.
Identifiers: ClinVar variation 3769665 (VCV003769665.1).